The following continues an entry in ClinVar:

NM_024675.4(PALB2):c.2200A>T (p.Thr734Ser)

Gene: PALB2. ClinVar aggregate classification (germline): Conflicting classifications of pathogenicity. Uncertain significance (6); Likely benign (6).

Submissions 15 to 16 of 16:

Department of Pathology and Laboratory Medicine, Sinai Health System
Classification: Uncertain significance for Malignant tumor of breast. Review status: no assertion criteria provided. Collection method: clinical testing. Allele origin: unknown. Affected: yes. Study: The Canadian Open Genetics Repository (COGR). Not counted in ClinVar's aggregate classification.
Comment: The PALB2 p.Thr734Ser variant was identified in 8 of 20076 proband chromosomes (frequency: 0.0004) from individuals or families with familial breast cancer, contralateral breast cancer, male breast cancer, familial ovarian cancer, or pancreatic cancer and was present in 5 of 13026 control chromosomes (frequency: 0.0004) from healthy individuals (Rahman 2007, Thompson 2015, Tischkowitz 2012, Sauty de Chalon 2010, Tung 2015, Caminsky 2016, Ramus 2015, Shindo 2017). The variant was also identified in dbSNP (ID: rs45543843) as "With Uncertain significance allele", in ClinVar (classified as uncertain significance by GeneDx, Ambry Genetics, Invitae and 5 other submitters), LOVD 3.0 (identified by 4 submitters and curated as "effect unknown"). The variant was identified in control databases in 16 of 277228 chromosomes at a frequency of 0.00006 (Genome Aggregation Database Feb 27, 2017). The variant was observed in the following populations: African in 1 of 24028 chromosomes (freq: 0.00004), Other in 1 of 6468 chromosomes (freq: 0.0002), European Non-Finnish in 14 of 126714 chromosomes (freq: 0.0001), while the variant was not observed in the Latino, Ashkenazi Jewish, East Asian, Finnish, and South Asian populations. The p.Thr734 residue is conserved in mammals and computational analyses (PolyPhen-2, SIFT, AlignGVGD, BLOSUM, MutationTaster) provide inconsistent predictions regarding the impact to the protein; this information is not very predictive of pathogenicity. The variant occurs outside of the splicing consensus sequence and 1 of 4 in silico or computational prediction software programs (SpliceSiteFinder, MaxEntScan, NNSPLICE, GeneSplicer) predict a greater than 10% difference in splicing; this is not very predictive of pathogenicity. In summary, based on the above information the clinical significance of this variant cannot be determined with certainty at this time. This variant is classified as a variant of uncertain significance.

Department of Pathology and Laboratory Medicine, Sinai Health System
Classification: Uncertain significance for Endometrial carcinoma. Review status: no assertion criteria provided. Collection method: clinical testing. Allele origin: unknown. Affected: yes. Study: The Canadian Open Genetics Repository (COGR). Not counted in ClinVar's aggregate classification.
Comment: the same text as in the submission from Department of Pathology and Laboratory Medicine, Sinai Health System above.

Literature cited by the submitters: PubMed 17200668 (cited by 6 submitters); PubMed 22241545 (cited by 5 submitters); PubMed 26283626 (cited by 4 submitters); PubMed 26315354 (cited by 4 submitters); PubMed 25186627 (cited by 4 submitters); PubMed 26898890 (cited by 4 submitters); PubMed 20091115 (cited by 5 submitters); PubMed 28767289 (cited by 4 submitters); PubMed 31636395 (cited by 3 submitters); PubMed 33471991 (cited by 4 submitters); PubMed 33113089 (cited by 4 submitters); PubMed 34326862 (cited by Women's Health and Genetics/Laboratory Corporation of America, LabCorp and Quest Diagnostics Nichols Institute San Juan Capistrano); PubMed 28440294 (cited by Quest Diagnostics Nichols Institute San Juan Capistrano); PubMed 32546565 (cited by Quest Diagnostics Nichols Institute San Juan Capistrano); PubMed 32885271 (cited by Quest Diagnostics Nichols Institute San Juan Capistrano and Ambry Genetics); PubMed 32659497 (cited by Ambry Genetics); PubMed 25085752 (cited by Myriad Genetics, Inc.); PubMed 28779002 (cited by Sema4).